The following is an entry in ClinVar:

ClinVar aggregate classification (germline): Likely benign. Review status: criteria provided, multiple submitters, no conflicts (2 of 4 stars). 3 submissions from 3 submitters: Likely benign (3). Last evaluated 2026-09-18.

Conditions:
TMPRSS3-related disorder. Also called: TMPRSS3-related condition.

Allele frequency attached by ClinVar (database versions not stated): ExAC 0.00005; gnomAD exomes 0.00006; 1000 Genomes Project 30x 0.00016; 1000 Genomes Project 0.00020; TOPMed 0.00020; gnomAD 0.00023 and 0.00025; ESP Exome Variant Server 0.00031.
gnomAD v4.1: 51 of 1,614,192 alleles (0.0032%); highest among the groups gnomAD compares: African/African-American, 0.063%; no homozygotes.

Submissions (3):

PreventionGenetics, part of Exact Sciences
Classification: Likely benign for TMPRSS3-related condition. Last evaluated: 2026-09-18. Review status: criteria provided, single submitter. Criteria: ACMG Guidelines, 2015. Collection method: clinical testing. Allele origin: germline.
Comment: This variant is classified as likely benign based on ACMG/AMP sequence variant interpretation guidelines (Richards et al. 2015 PMID: 25741868, with internal and published modifications).

Labcorp Genetics (formerly Invitae), Labcorp
Classification: Likely benign. Last evaluated: 2024-02-17. Review status: criteria provided, single submitter. Criteria: Invitae Variant Classification Sherloc (09022015). Collection method: clinical testing. Allele origin: germline.

GeneDx
Classification: Likely benign. Last evaluated: 2021-06-14. Review status: criteria provided, single submitter. Criteria: GeneDx Variant Classification Process June 2021. Collection method: clinical testing. Allele origin: germline. Affected: yes.

NM_001256317.3(TMPRSS3):c.831G>C (p.Leu277=)

Gene: TMPRSS3 (transmembrane serine protease 3; minus strand). Cytogenetic location: 21q22.3.
Variant type: single nucleotide variant.
Coding change: c.831G>C on transcript NM_001256317.3 (MANE Select); coding-DNA position 831, G replaced by C.
Protein change: p.Leu277=; no amino-acid change (leucine 277 retained).
Molecular consequence: synonymous variant.
Genome position (GRCh38, 1-based): chr21:42,382,186, C>G on the plus strand (G>C on the coding strand, the complement: TMPRSS3 is on the minus strand). VCF-style: chr21-42382186-C-G. GRCh37 (hg19) VCF-style: chr21-43802295-C-G.
Other names: c.831G>C, p.Leu277= (NM_024022.4, NM_032405.2); c.450G>C, p.Leu150= (NM_032404.3).
Identifiers: ClinVar variation 1207756 (VCV001207756.7), dbSNP rs140552212, ClinGen allele CA10042447.